The following is an entry in ClinVar:

ClinVar aggregate classification (germline): Uncertain significance (1 of 4 stars; one submission).

Conditions:
ALMS1-related disorder. Also called: ALMS1-related condition.

Submission:

PreventionGenetics, part of Exact Sciences
Classification: Uncertain significance for ALMS1-related condition. Last evaluated: 2025-04-10. Review status: criteria provided, single submitter. Criteria: ACMG Guidelines, 2015. Collection method: clinical testing. Allele origin: germline.
Comment: The ALMS1 c.745_751delinsA variant is predicted to result in an in-frame deletion and insertion. To our knowledge, this variant has not been reported in the literature or in a large population database (gnomAD), indicating this variant is rare. At this time, the clinical significance of this variant is uncertain due to the absence of conclusive functional and genetic evidence.

NM_001378454.1(ALMS1):c.742_747del (p.Glu248_Leu249del)

Gene: ALMS1 (ALMS1 centrosome and basal body associated protein; plus strand). Cytogenetic location: 2p13.1.
Variant type: Deletion.
Coding change: c.742_747del on transcript NM_001378454.1 (MANE Select); coding-DNA positions 742 to 747, 6 bases deleted (GAACTA; older notation c.742_747delGAACTA).
Protein change: p.Glu248_Leu249del.
Molecular consequence: inframe deletion.
Genome position (GRCh38, 1-based): chr2:73,422,952-73,422,957, GAACTA deleted. VCF-style (leftmost placement, unchanged base first): chr2-73422951-TGAACTA-T. GRCh37 (hg19) VCF-style: chr2-73650079-TGAACTA-T.
Other names: c.745_751delinsA (NM_015120.4); c.745_750del, p.Glu249_Leu250del (NM_015120.4).
Identifiers: ClinVar variation 4999186 (VCV004999186.1).
Genomic context (GRCh38, chr2:73,422,951, plus strand): 5'-TTTGCTGACCTGTTTGACACAAGACCAAGAATTTGCGCCTGATTCTTTATTTCATCAAAG[TGAACTA>T]AGTTTTGCACCTCTGAGGTAGGATGATTTATTTGCATGTAACCTTTCTCACTTCTTGTTC-3'